The following is an entry in ClinVar:

ClinVar aggregate classification (germline): Uncertain significance (1 of 4 stars; one submission).

gnomAD v4.1: 15 of 1,536,582 alleles (0.00098%); highest among the groups gnomAD compares: African/African-American, 0.0082%; no homozygotes.

Submission:

Labcorp Genetics (formerly Invitae), Labcorp
Classification: Uncertain significance. Last evaluated: 2024-07-31. Review status: criteria provided, single submitter. Criteria: Invitae Variant Classification Sherloc (09022015). Collection method: clinical testing. Allele origin: germline.
Comment: This sequence change replaces asparagine, which is neutral and polar, with serine, which is neutral and polar, at codon 1322 of the LRPPRC protein (p.Asn1322Ser). This variant is present in population databases (rs778860532, gnomAD 0.008%). This variant has not been reported in the literature in individuals affected with LRPPRC-related conditions. Advanced modeling of protein sequence and biophysical properties (such as structural, functional, and spatial information, amino acid conservation, physicochemical variation, residue mobility, and thermodynamic stability) performed at Invitae indicates that this missense variant is not expected to disrupt LRPPRC protein function with a negative predictive value of 80%. In summary, the available evidence is currently insufficient to determine the role of this variant in disease. Therefore, it has been classified as a Variant of Uncertain Significance.

NM_133259.4(LRPPRC):c.3965A>G (p.Asn1322Ser)

Gene: LRPPRC (leucine rich pentatricopeptide repeat containing; minus strand). Cytogenetic location: 2p21.
Variant type: single nucleotide variant.
Coding change: c.3965A>G on transcript NM_133259.4 (MANE Select); coding-DNA position 3965, A replaced by G.
Protein change: p.Asn1322Ser; replaces asparagine 1322 with serine.
Molecular consequence: missense variant.
Genome position (GRCh38, 1-based): chr2:43,894,565, T>C on the plus strand (A>G on the coding strand, the complement: LRPPRC is on the minus strand). VCF-style: chr2-43894565-T-C. GRCh37 (hg19) VCF-style: chr2-44121704-T-C.
Other names: short protein forms N1322S.
Identifiers: ClinVar variation 3720053 (VCV003720053.2).